The following is an entry in ClinVar:

NM_006516.4(SLC2A1):c.115-3del

Gene: SLC2A1 (solute carrier family 2 member 1; minus strand). Cytogenetic location: 1p34.2.
Variant type: Deletion.
Coding change: c.115-3del on transcript NM_006516.4 (MANE Select); 3 bases into the intron before coding-DNA position 115, one base deleted (C; older notation c.115-3delC).
Molecular consequence: intron variant.
Genome position (GRCh38, 1-based): chr1:42,931,209, G deleted on the plus strand (C on the coding strand, the reverse complement: SLC2A1 is on the minus strand). VCF-style (leftmost placement, unchanged base first): chr1-42931208-TG-T. GRCh37 (hg19) VCF-style: chr1-43396879-TG-T.
Identifiers: ClinVar variation 207218 (VCV000207218.1), dbSNP rs796053265, ClinGen allele CA318480.

ClinVar aggregate classification (germline): Pathogenic (1 of 4 stars; one submission).

Submission:

GeneDx
Classification: Pathogenic. Last evaluated: 2014-10-01. Review status: criteria provided, single submitter. Criteria: GeneDx Variant Classification (06012015). Collection method: clinical testing. Allele origin: germline. Affected: yes.
Comment: c.115-3delC: IVS2-3delC in intron 2 of the SLC2A1 gene (NM_006516.2). Using uppercase to denote exonic nucleotides and lowercase to denote intronic nucleotides, the normal sequence with the deleted base in braces is: cctg{c}agGT. The c.115-3delC variant in the SLC2A1 gene has not been published as a mutation, nor has it been reported as a benign polymorphism to our knowledge. In silico analysis predicts this variant may damage or destroy the natural splice acceptor site in intron 2 leading to abnormal splicing. However, in the absence of RNA/functional studies, the actual effect of the c.115-3delC variant is unknown. This variant has been observed de novo without verified parentage.The variant is found in CHILD-EPI panel(s).